The following is an entry in ClinVar:

ClinVar aggregate classification (germline): Uncertain significance (1 of 4 stars; one submission).

Conditions:
Microcephaly, normal intelligence and immunodeficiency (NBS). Also called: BERLIN BREAKAGE SYNDROME; Nijmegen breakage syndrome; Microcephaly with normal intelligence immunodeficiency and lymphoreticular malignancies; Nonsyndromal microcephaly autosomal recessive with normal intelligence; Seemanova syndrome 2; SEEMANOVA SYNDROME II. Identifiers: Orphanet 647, MedGen C0398791, MONDO:0009623, OMIM 251260.

Submission:

Labcorp Genetics (formerly Invitae), Labcorp
Classification: Uncertain significance for Microcephaly, normal intelligence and immunodeficiency. Last evaluated: 2018-09-18. Review status: criteria provided, single submitter. Criteria: Invitae Variant Classification Sherloc (09022015). Collection method: clinical testing. Allele origin: germline.
Comment: In summary, the available evidence is currently insufficient to determine the role of this variant in disease. Therefore, it has been classified as a Variant of Uncertain Significance. Algorithms developed to predict the effect of missense changes on protein structure and function are either unavailable or do not agree on the potential impact of this missense change (SIFT: "Deleterious"; PolyPhen-2: "Probably Damaging"; Align-GVGD: "Class C0"). This variant has not been reported in the literature in individuals with NBN-related disease. This variant is not present in population databases (ExAC no frequency). This sequence change replaces valine with glutamic acid at codon 314 of the NBN protein (p.Val314Glu). The valine residue is moderately conserved and there is a moderate physicochemical difference between valine and glutamic acid.

NM_002485.5(NBN):c.941T>A (p.Val314Glu)

Gene: NBN (nibrin; minus strand). Cytogenetic location: 8q21.3.
Variant type: single nucleotide variant.
Coding change: c.941T>A on transcript NM_002485.5 (MANE Select); coding-DNA position 941, T replaced by A.
Protein change: p.Val314Glu; replaces valine 314 with glutamic acid.
Molecular consequence: missense variant.
Genome position (GRCh38, 1-based): chr8:89,964,463, A>T on the plus strand (T>A on the coding strand, the complement: NBN is on the minus strand). VCF-style: chr8-89964463-A-T. GRCh37 (hg19) VCF-style: chr8-90976691-A-T.
Other names: c.695T>A, p.Val232Glu (NM_001024688.3); short protein forms V314E, V232E.
Identifiers: ClinVar variation 650975 (VCV000650975.8), dbSNP rs771086262, ClinGen allele CA371657010.